The following is an entry in ClinVar:

NM_000051.4(ATM):c.408T>A (p.Ile136=)

Gene: ATM (ATM serine/threonine kinase; plus strand). Cytogenetic location: 11q22.3.
Variant type: single nucleotide variant.
Coding change: c.408T>A on transcript NM_000051.4 (MANE Select); coding-DNA position 408, T replaced by A.
Protein change: p.Ile136=; no amino-acid change (isoleucine 136 retained).
Molecular consequence: synonymous variant.
Genome position (GRCh38, 1-based): chr11:108,235,746, T>A. VCF-style: chr11-108235746-T-A. GRCh37 (hg19) VCF-style: chr11-108106473-T-A.
Other names: c.408T>A, p.Ile136= (NM_001351834.2).
Identifiers: ClinVar variation 1085004 (VCV001085004.13), dbSNP rs2135123307, ClinGen allele CA476670382.
Genomic context (GRCh38, chr11:108,235,746, plus strand): 5'-ATGTCAAGAACTCTTAAATTATATCATGGATACAGTGAAAGATTCATCTAATGGTGCTAT[T>A]TACGGAGCTGATTGTAGCAACATACTACTCAAAGACATTCTTTCTGTGAGAAAATACTGG-3'
Protein context (NP_000042.3, residues 126-146): DTVKDSSNGA[Ile136=]YGADCSNILL

ClinVar aggregate classification (germline): Benign/Likely benign. Review status: criteria provided, multiple submitters, no conflicts (2 of 4 stars). 4 submissions from 4 submitters: Benign (1); Likely benign (3). Last evaluated 2024-04-19.

Conditions:
Hereditary cancer-predisposing syndrome. Also called: Neoplastic Syndromes, Hereditary; Hereditary neoplastic syndrome; Hereditary Cancer Syndrome; Tumor predisposition. Identifiers: Orphanet 140162, MedGen C0027672, MeSH D009386, MONDO:0015356.
Familial cancer of breast. Also called: BREAST CANCER, FAMILIAL; Hereditary breast cancer; hereditary breast carcinoma. Identifiers: Orphanet 227535, MedGen C0346153, MONDO:0016419, OMIM 114480. Disease mechanism: loss of function.
Ataxia-telangiectasia syndrome (AT). Also called: Ataxia-telangiectasia, complementation group D; Ataxia-telangiectasia, complementation group E; Cerebello-oculocutaneous telangiectasia; Immunodeficiency with ataxia telangiectasia; Ataxia telangiectasia (A-T); Ataxia-telangiectasia. Identifiers: Orphanet 100, MedGen C0004135, MONDO:0008840, OMIM 208900.

Submissions (4):

Myriad Genetics, Inc.
Classification: Benign for Familial cancer of breast. Last evaluated: 2024-04-19. Review status: criteria provided, single submitter. Criteria: Myriad Autosomal Dominant, Autosomal Recessive and X-Linked Classification Criteria (2023). Collection method: clinical testing. Allele origin: unknown.
Comment: This variant is considered benign. This variant is a silent/synonymous amino acid change and it is not expected to impact splicing.

Ambry Genetics
Classification: Likely benign for Hereditary cancer-predisposing syndrome. Last evaluated: 2022-02-27. Review status: criteria provided, single submitter. Criteria: Ambry Variant Classification Scheme 2023. Collection method: clinical testing. Allele origin: germline.

Labcorp Genetics (formerly Invitae), Labcorp
Classification: Likely benign for Ataxia-telangiectasia syndrome. Last evaluated: 2020-07-12. Review status: criteria provided, single submitter. Criteria: Invitae Variant Classification Sherloc (09022015). Collection method: clinical testing. Allele origin: germline.

GeneDx
Classification: Likely benign. Last evaluated: 2019-09-10. Review status: criteria provided, single submitter. Criteria: GeneDx Variant Classification Process June 2021. Collection method: clinical testing. Allele origin: germline. Affected: yes.